The following is an entry in ClinVar:

NM_001375765.1(GIGYF1):c.486C>T (p.Gly162=)

Gene: GIGYF1 (GRB10 interacting GYF protein 1; minus strand). Cytogenetic location: 7q22.1.
Variant type: single nucleotide variant.
Coding change: c.486C>T on transcript NM_001375765.1 (MANE Select); coding-DNA position 486, C replaced by T.
Protein change: p.Gly162=; no amino-acid change (glycine 162 retained).
Molecular consequence: synonymous variant. On other transcripts: non-coding transcript variant (1).
Genome position (GRCh38, 1-based): chr7:100,687,043, G>A on the plus strand (C>T on the coding strand, the complement: GIGYF1 is on the minus strand). VCF-style: chr7-100687043-G-A. GRCh37 (hg19) VCF-style: chr7-100284666-G-A.
Other names: NM_022574.4:c.486C>T; c.486C>T, p.Gly162= (NM_001375759.1, NM_001375760.1, NM_001375761.1 and 6 more transcripts).
Identifiers: ClinVar variation 3036387 (VCV003036387.2), dbSNP rs544550676, ClinGen allele CA4388988.

ClinVar aggregate classification (germline): Likely benign (0 of 4 stars; one submission).

Conditions:
GIGYF1-related disorder. Also called: GIGYF1-related condition.

Allele frequency attached by ClinVar (database versions not stated): ExAC 0.00001; TOPMed 0.00001; gnomAD 0.00002.

Submission:

PreventionGenetics, part of Exact Sciences
Classification: Likely benign for GIGYF1-related condition. Last evaluated: 2023-10-04. Review status: no assertion criteria provided. Collection method: clinical testing. Allele origin: germline.
Comment: This variant is classified as likely benign based on ACMG/AMP sequence variant interpretation guidelines (Richards et al. 2015 PMID: 25741868, with internal and published modifications).